The following is an entry in ClinVar:

ClinVar aggregate classification (germline): Uncertain significance (1 of 4 stars; one submission).

Conditions:
Immunodeficiency 23 (IMD23). Also called: IMMUNODEFICIENCY WITH HYPER IgE AND COGNITIVE IMPAIRMENT; IMMUNODEFICIENCY-VASCULITIS-MYOCLONUS SYNDROME. Identifiers: Orphanet 443811, MedGen C4014371, MONDO:0014353, OMIM 615816.

Submission:

Labcorp Genetics (formerly Invitae), Labcorp
Classification: Uncertain significance for Immunodeficiency 23. Last evaluated: 2020-11-26. Review status: criteria provided, single submitter. Criteria: Invitae Variant Classification Sherloc (09022015). Collection method: clinical testing. Allele origin: germline.
Comment: This sequence change falls in intron 9 of the PGM3 gene. It does not directly change the encoded amino acid sequence of the PGM3 protein. It affects a nucleotide within the consensus splice site of the intron. This variant is not present in population databases (ExAC no frequency). This variant has not been reported in the literature in individuals with PGM3-related conditions. Nucleotide substitutions within the consensus splice site are a relatively common cause of aberrant splicing (PMID: 17576681, 9536098). Algorithms developed to predict the effect of sequence changes on RNA splicing suggest that this variant may create or strengthen a splice site, but this prediction has not been confirmed by published transcriptional studies. In summary, the available evidence is currently insufficient to determine the role of this variant in disease. Therefore, it has been classified as a Variant of Uncertain Significance.

Literature cited by the submitters: PubMed 17576681; PubMed 9536098.

NM_015599.3(PGM3):c.1029+5T>G

Gene: PGM3 (phosphoglucomutase 3; minus strand). Cytogenetic location: 6q14.1.
Variant type: single nucleotide variant.
Coding change: c.1029+5T>G on transcript NM_015599.3 (MANE Select); 5 bases into the intron after coding-DNA position 1029, T replaced by G.
Molecular consequence: intron variant.
Genome position (GRCh38, 1-based): chr6:83,178,668, A>C on the plus strand (T>G on the coding strand, the complement: PGM3 is on the minus strand). VCF-style: chr6-83178668-A-C. GRCh37 (hg19) VCF-style: chr6-83888387-A-C.
Other names: c.1113+5T>G (NM_001199917.2, NM_001367287.1); c.786+5T>G (NM_001199918.2); c.1029+5T>G (NM_001367286.1, NM_001199919.2).
Identifiers: ClinVar variation 1502507 (VCV001502507.6), dbSNP rs2128493694, ClinGen allele CA2573141197.
Genomic context (GRCh38, chr6:83,178,668, plus strand): 5'-GTATCTTTCTCACAGAAACATGATCTTAATTAAGAAACTACCAGAAAACAAAAATGGTTC[A>C]ATACCTTCATAACTTCTTCAAGATACCGTGTTGAACTTCCATTTGCATATGCAGTTTGTA-3'